The following is an entry in ClinVar:

NM_001199138.2(NLRC4):c.2248C>T (p.Arg750Trp)

Gene: NLRC4 (NLR family CARD domain containing 4; minus strand). Cytogenetic location: 2p22.3.
Variant type: single nucleotide variant.
Coding change: c.2248C>T on transcript NM_001199138.2 (MANE Select); coding-DNA position 2248, C replaced by T.
Protein change: p.Arg750Trp; replaces arginine 750 with tryptophan.
Molecular consequence: missense variant. On other transcripts: intron variant (1).
Genome position (GRCh38, 1-based): chr2:32,249,616, G>A on the plus strand (C>T on the coding strand, the complement: NLRC4 is on the minus strand). VCF-style: chr2-32249616-G-A. GRCh37 (hg19) VCF-style: chr2-32474685-G-A.
Other names: c.2248C>T, p.Arg750Trp (NM_001199139.2, NM_021209.5); c.262+2803C>T (NM_001302504.1); short protein forms R750W.
Identifiers: ClinVar variation 4788622 (VCV004788622.1).

ClinVar aggregate classification (germline): Uncertain significance (1 of 4 stars; one submission).

Conditions:
Periodic fever-infantile enterocolitis-autoinflammatory syndrome. Also called: Autoinflammation with infantile enterocolitis. Identifiers: Orphanet 436166, MedGen C4015067, MONDO:0014472, OMIM 616050.
Familial cold autoinflammatory syndrome 4 (FCAS4). Identifiers: Orphanet 47045, Orphanet 576349, MedGen C4015276, MONDO:0014498, OMIM 616115.

gnomAD v4.1: 18 of 1,583,282 alleles (0.0011%); highest among the groups gnomAD compares: South Asian, 0.0081%; no homozygotes.

Submission:

Labcorp Genetics (formerly Invitae), Labcorp
Classification: Uncertain significance for Periodic fever-infantile enterocolitis-autoinflammatory syndrome; Familial cold autoinflammatory syndrome 4. Last evaluated: 2025-04-28. Review status: criteria provided, single submitter. Criteria: Invitae Variant Classification Sherloc (09022015). Collection method: clinical testing. Allele origin: germline.
Comment: This sequence change replaces arginine, which is basic and polar, with tryptophan, which is neutral and slightly polar, at codon 750 of the NLRC4 protein (p.Arg750Trp). This variant is present in population databases (rs549398450, gnomAD 0.01%). This variant has not been reported in the literature in individuals affected with NLRC4-related conditions. Invitae Evidence Modeling of protein sequence and biophysical properties (such as structural, functional, and spatial information, amino acid conservation, physicochemical variation, residue mobility, and thermodynamic stability) indicates that this missense variant is not expected to disrupt NLRC4 protein function with a negative predictive value of 80%. In summary, the available evidence is currently insufficient to determine the role of this variant in disease. Therefore, it has been classified as a Variant of Uncertain Significance.